The following is an entry in ClinVar:

ClinVar aggregate classification (germline): Uncertain significance (1 of 4 stars; one submission).

Conditions:
Autosomal dominant hypocalcemia 1 (HYPOC1). Also called: HYPOCALCEMIA, FAMILIAL. Identifiers: MedGen C3715128, MONDO:0011013, OMIM 601198.
Familial hypocalciuric hypercalcemia (FHH). Also called: Familial benign hypercalcemia. Identifiers: Orphanet 405, MedGen C1809471, MONDO:0018458.

Submission:

Labcorp Genetics (formerly Invitae), Labcorp
Classification: Uncertain significance for Familial hypocalciuric hypercalcemia; Autosomal dominant hypocalcemia 1. Last evaluated: 2022-09-09. Review status: criteria provided, single submitter. Criteria: Invitae Variant Classification Sherloc (09022015). Collection method: clinical testing. Allele origin: germline.
Comment: This variant has not been reported in the literature in individuals affected with CASR-related conditions. In summary, the available evidence is currently insufficient to determine the role of this variant in disease. Therefore, it has been classified as a Variant of Uncertain Significance. Algorithms developed to predict the effect of sequence changes on RNA splicing suggest that this variant may disrupt the consensus splice site. This variant is not present in population databases (gnomAD no frequency). This sequence change falls in intron 2 of the CASR gene. It does not directly change the encoded amino acid sequence of the CASR protein.

NM_000388.4(CASR):c.186-13T>G

Gene: CASR (calcium sensing receptor; plus strand). Cytogenetic location: 3q21.1.
Variant type: single nucleotide variant.
Coding change: c.186-13T>G on transcript NM_000388.4 (MANE Select); 13 bases into the intron before coding-DNA position 186, T replaced by G.
Molecular consequence: intron variant.
Genome position (GRCh38, 1-based): chr3:122,257,068, T>G. VCF-style: chr3-122257068-T-G. GRCh37 (hg19) VCF-style: chr3-121975915-T-G.
Other names: c.186-13T>G (NM_001178065.2).
Identifiers: ClinVar variation 2053023 (VCV002053023.4), dbSNP rs2473213862, ClinGen allele CA2580068628.
Genomic context (GRCh38, chr3:122,257,068, plus strand): 5'-CTTTGCCAGGTCTTTACTCTAAAGTCGTTGACTAGAAAGCTTCCCATTTTCTTCCACTTC[T>G]TCTTTCTTCCAGGTATAATTTCCGTGGGTTTCGCTGGTTACAGGCTATGATATTTGCCAT-3'